The following is an entry in ClinVar:

ClinVar aggregate classification (germline): Uncertain significance (1 of 4 stars; one submission).

Conditions:
NUP133-related disorder. Also called: NUP133-related condition.

Submission:

PreventionGenetics, part of Exact Sciences
Classification: Uncertain significance for NUP133-related condition. Last evaluated: 2025-08-19. Review status: criteria provided, single submitter. Criteria: ACMG Guidelines, 2015. Collection method: clinical testing. Allele origin: germline.
Comment: The NUP133 c.1757-7T>C variant is predicted to interfere with splicing. To our knowledge, this variant has not been reported in the literature or in a large population database (gnomAD), indicating this variant is rare. At this time, the clinical significance of this variant is uncertain due to the absence of conclusive functional and genetic evidence.

NM_018230.3(NUP133):c.1757-7T>C

Gene: NUP133 (nucleoporin 133; minus strand). Cytogenetic location: 1q42.13.
Variant type: single nucleotide variant.
Coding change: c.1757-7T>C on transcript NM_018230.3 (MANE Select); 7 bases into the intron before coding-DNA position 1757, T replaced by C.
Molecular consequence: intron variant.
Genome position (GRCh38, 1-based): chr1:229,475,739, A>G on the plus strand (T>C on the coding strand, the complement: NUP133 is on the minus strand). VCF-style: chr1-229475739-A-G. GRCh37 (hg19) VCF-style: chr1-229611486-A-G.
Identifiers: ClinVar variation 4995242 (VCV004995242.1).
Genomic context (GRCh38, chr1:229,475,739, plus strand): 5'-TGTCTTCTAGCTGGTGAAGGATAATCAGTGACGTATTGCTGAACCCAGGTGCTTCTGTTA[A>G]AACACAGTGATAAAACTTAGAACATAGTGGTTTTACAACTATACTATTTTAATATCAGTG-3'